The following is an entry in ClinVar:

ClinVar aggregate classification (germline): Uncertain significance (1 of 4 stars; one submission).

Conditions:
Megalencephaly-polymicrogyria-polydactyly-hydrocephalus syndrome 1 (MPPH1). Also called: MEGALENCEPHALY, MEGA CORPUS CALLOSUM, AND COMPLETE LACK OF MOTOR DEVELOPMENT; MEGALENCEPHALY, POLYMICROGYRIA, MEGA CORPUS CALLOSUM SYNDROME. Identifiers: Orphanet 83473, MedGen C4012727, MONDO:0011313, OMIM 603387.

Submission:

Labcorp Genetics (formerly Invitae), Labcorp
Classification: Uncertain significance for Megalencephaly-polymicrogyria-polydactyly-hydrocephalus syndrome 1. Last evaluated: 2024-03-07. Review status: criteria provided, single submitter. Criteria: Invitae Variant Classification Sherloc (09022015). Collection method: clinical testing. Allele origin: germline.
Comment: This sequence change replaces valine, which is neutral and non-polar, with methionine, which is neutral and non-polar, at codon 43 of the PIK3R2 protein (p.Val43Met). This variant is present in population databases (rs750768114, gnomAD 0.01%). This variant has not been reported in the literature in individuals affected with PIK3R2-related conditions. Advanced modeling of protein sequence and biophysical properties (such as structural, functional, and spatial information, amino acid conservation, physicochemical variation, residue mobility, and thermodynamic stability) performed at Invitae indicates that this missense variant is not expected to disrupt PIK3R2 protein function with a negative predictive value of 95%. In summary, the available evidence is currently insufficient to determine the role of this variant in disease. Therefore, it has been classified as a Variant of Uncertain Significance.

NM_005027.4(PIK3R2):c.127G>A (p.Val43Met)

Gene: PIK3R2 (phosphoinositide-3-kinase regulatory subunit 2; plus strand). Cytogenetic location: 19p13.11.
Variant type: single nucleotide variant.
Coding change: c.127G>A on transcript NM_005027.4 (MANE Select); coding-DNA position 127, G replaced by A.
Protein change: p.Val43Met; replaces valine 43 with methionine.
Molecular consequence: missense variant. On other transcripts: non-coding transcript variant (2).
Genome position (GRCh38, 1-based): chr19:18,156,006, G>A. VCF-style: chr19-18156006-G-A. GRCh37 (hg19) VCF-style: chr19-18266816-G-A.
Other names: short protein forms V43M.
Identifiers: ClinVar variation 3672581 (VCV003672581.1).